The following is an entry in ClinVar:

NM_001387430.1(SH2B1):c.1821C>A (p.His607Gln)

Gene: SH2B1 (SH2B adaptor protein 1; plus strand). Cytogenetic location: 16p11.2.
Variant type: single nucleotide variant.
Coding change: c.1821C>A on transcript NM_001387430.1 (MANE Select); coding-DNA position 1821, C replaced by A.
Protein change: p.His607Gln; replaces histidine 607 with glutamine.
Molecular consequence: missense variant.
Genome position (GRCh38, 1-based): chr16:28,872,629, C>A. VCF-style: chr16-28872629-C-A. GRCh37 (hg19) VCF-style: chr16-28883950-C-A.
Other names: c.1821C>A, p.His607Gln (NM_015503.3, NM_001145795.2, NM_001145796.2 and 4 more transcripts); c.813C>A, p.His271Gln (NM_001308294.2); short protein forms H271Q, H607Q.
Identifiers: ClinVar variation 4689922 (VCV004689922.2).
Genomic context (GRCh38, chr16:28,872,629, plus strand): 5'-CCGGGTCCAGCACCTGTGGTTCCAGTCCATTTTCGATATGCTCGAGCACTTCCGGGTGCA[C>A]CCCATCCCTTTGGAGTCGGGAGGCTCCAGTGATGTTGTCCTTGTCAGCTATGTCCCATCC-3'
Protein context (NP_001374359.1, residues 597-617): IFDMLEHFRV[His607Gln]PIPLESGGSS

ClinVar aggregate classification (germline): Likely pathogenic (1 of 4 stars; one submission).

gnomAD v4.1: 1 of 1,614,160 alleles (0.000062%); highest among the groups gnomAD compares: Non-Finnish European, 0.000085%; no homozygotes.

Submission:

GeneDx
Classification: Likely pathogenic. Last evaluated: 2026-08-28. Review status: criteria provided, single submitter. Criteria: GeneDx Variant Classification Process June 2021. Collection method: clinical testing. Allele origin: germline.
Comment: Not observed at significant frequency in large population cohorts (gnomAD); In silico analysis supports that this missense variant has a deleterious effect on protein structure/function; Has not been previously published as pathogenic or benign to our knowledge